The following is an entry in ClinVar:

ClinVar aggregate classification (germline): Uncertain significance (1 of 4 stars; one submission).

Submission:

Labcorp Genetics (formerly Invitae), Labcorp
Classification: Uncertain significance. Last evaluated: 2023-01-09. Review status: criteria provided, single submitter. Criteria: Invitae Variant Classification Sherloc (09022015). Collection method: clinical testing. Allele origin: germline.
Comment: In summary, the available evidence is currently insufficient to determine the role of this variant in disease. Therefore, it has been classified as a Variant of Uncertain Significance. Algorithms developed to predict the effect of missense changes on protein structure and function are either unavailable or do not agree on the potential impact of this missense change (SIFT: "Deleterious"; PolyPhen-2: "Possibly Damaging"; Align-GVGD: "Class C0"). This variant has not been reported in the literature in individuals affected with ASPM-related conditions. This variant is not present in population databases (gnomAD no frequency). This sequence change replaces valine, which is neutral and non-polar, with glutamic acid, which is acidic and polar, at codon 3437 of the ASPM protein (p.Val3437Glu).

NM_018136.5(ASPM):c.10310T>A (p.Val3437Glu)

Gene: ASPM (assembly factor for spindle microtubules; minus strand). Cytogenetic location: 1q31.3.
Variant type: single nucleotide variant.
Coding change: c.10310T>A on transcript NM_018136.5 (MANE Select); coding-DNA position 10310, T replaced by A.
Protein change: p.Val3437Glu; replaces valine 3437 with glutamic acid.
Molecular consequence: missense variant.
Genome position (GRCh38, 1-based): chr1:197,086,824, A>T on the plus strand (T>A on the coding strand, the complement: ASPM is on the minus strand). VCF-style: chr1-197086824-A-T. GRCh37 (hg19) VCF-style: chr1-197055954-A-T.
Other names: c.5555T>A, p.Val1852Glu (NM_001206846.2); short protein forms V1852E, V3437E.
Identifiers: ClinVar variation 2827357 (VCV002827357.3), dbSNP rs2527250520, ClinGen allele CA343995141.